The following is an entry in ClinVar:

ClinVar aggregate classification (germline): Likely pathogenic (1 of 4 stars; one submission).

Conditions:
Charlevoix-Saguenay spastic ataxia (SACS). Also called: Spastic ataxia of Charlevoix-Saguenay; SPASTIC ATAXIA 6, AUTOSOMAL RECESSIVE; AUTOSOMAL RECESSIVE SPASTIC ATAXIA OF CHARLEVOIX-SAGUENAY. Identifiers: Orphanet 98, MedGen C1849140, MONDO:0010041, OMIM 270550.

Submission:

Neuberg Centre For Genomic Medicine, NCGM
Classification: Likely pathogenic for Charlevoix-Saguenay spastic ataxia. Last evaluated: 2023-06-22. Review status: criteria provided, single submitter. Criteria: ACMG Guidelines, 2015. Collection method: clinical testing. Allele origin: germline. Inheritance: Autosomal recessive inheritance. Affected: yes.
Comment: The stop gained c.9175A>T(p.Lys3059Ter) variant in SACS gene has not been reported previously as a pathogenic variant nor as a benign variant, to our knowledge. The c.9175A>T variant is absent in gnomAD Exomes. This variant has not been submitted to the ClinVar database. Computational evidence (MutationTaster - Disease causing) predicts damaging effect on protein structure and function for this variant. The nucleotide change c.9175A>T in SACS is predicted as conserved by GERP++ and PhyloP across 100 vertebrates. This sequence change creates a premature translational stop signal (p.Lys3059Ter) in the SACS gene. This variant is predicted to cause loss of normal protein function through protein truncation. Loss of function variants have been previously reported to be disease causing. For these reasons, this variant has been classified as Likely Pathogenic.

NM_014363.6(SACS):c.9175A>T (p.Lys3059Ter)

Gene: SACS (sacsin molecular chaperone; minus strand). Cytogenetic location: 13q12.12.
Variant type: single nucleotide variant.
Coding change: c.9175A>T on transcript NM_014363.6 (MANE Select); coding-DNA position 9175, A replaced by T.
Protein change: p.Lys3059Ter; replaces lysine 3059 with a stop codon.
Molecular consequence: nonsense.
Genome position (GRCh38, 1-based): chr13:23,334,701, T>A on the plus strand (A>T on the coding strand, the complement: SACS is on the minus strand). VCF-style: chr13-23334701-T-A. GRCh37 (hg19) VCF-style: chr13-23908840-T-A.
Other names: c.8734A>T, p.Lys2912Ter (NM_001278055.2); short protein forms K2912*, K3059*.
Identifiers: ClinVar variation 3731407 (VCV003731407.1).